The following is an entry in ClinVar:

NM_002047.4(GARS1):c.*49_*51del

Gene: GARS1 (glycyl-tRNA synthetase 1; plus strand). Cytogenetic location: 7p14.3.
Variant type: Deletion.
Coding change: c.*49_*51del on transcript NM_002047.4 (MANE Select); 49 bases downstream of the stop codon through 51 bases downstream of the stop codon, 3 bases deleted (AAA; older notation c.*49_*51delAAA).
Molecular consequence: 3 prime UTR variant.
Genome position (GRCh38, 1-based): chr7:30,633,909-30,633,911, AAA deleted; deleting any 3 consecutive bases within chr7:30,633,897-30,633,911 gives the same sequence; the c. name uses the placement nearest the transcript's 3' end. VCF-style (leftmost placement, unchanged base first): chr7-30633896-TAAA-T. GRCh37 (hg19) VCF-style: chr7-30673512-TAAA-T.
Other names: c.*49_*51del (NM_001316772.1).
Identifiers: ClinVar variation 2657373 (VCV002657373.24), dbSNP rs70983380, ClinGen allele CA4206199.
Genomic context (GRCh38, chr7:30,633,896, plus strand): 5'-TAAAAAAGAGACAATCGAGGAATGAGGACAATTTTGACAACTTTTGACCACTTGCGCTAA[TAAA>T]AAAAAAAAAAAACTACTCTTATGTCCACTTTACAAAAGAAAACAGCATTGTGATTACTCC-3'

ClinVar aggregate classification (germline): Benign (1 of 4 stars; one submission).

Submission:

CeGaT Center for Human Genetics Tuebingen
Classification: Benign. Last evaluated: 2022-09-01. Review status: criteria provided, single submitter. Criteria: CeGaT Center For Human Genetics Tuebingen Variant Classification Criteria Version 2. Collection method: clinical testing. Allele origin: germline. Affected: yes. Observed: 2 variant alleles.
Comment: GARS1: BS1, BS2